The following is an entry in ClinVar:

ClinVar aggregate classification (germline): Likely benign (1 of 4 stars; one submission).

Allele frequency attached by ClinVar (database versions not stated): gnomAD exomes 0.00048 and 0.00141; ExAC 0.00166; 1000 Genomes Project 0.00260; 1000 Genomes Project 30x 0.00265; gnomAD 0.00584 and 0.00655; TOPMed 0.00665; ESP Exome Variant Server 0.00818.

Submission:

GeneDx
Classification: Likely benign. Last evaluated: 2018-06-16. Review status: criteria provided, single submitter. Criteria: GeneDx Variant Classification (06012015). Collection method: clinical testing. Allele origin: germline. Affected: yes.
Comment: This variant is considered likely benign or benign based on one or more of the following criteria: it is a conservative change, it occurs at a poorly conserved position in the protein, it is predicted to be benign by multiple in silico algorithms, and/or has population frequency not consistent with disease.

NM_080680.3(COL11A2):c.876+31C>T

Gene: COL11A2 (collagen type XI alpha 2 chain; minus strand). Cytogenetic location: 6p21.32.
Variant type: single nucleotide variant.
Coding change: c.876+31C>T on transcript NM_080680.3 (MANE Select); 31 bases into the intron after coding-DNA position 876, C replaced by T.
Molecular consequence: intron variant.
Genome position (GRCh38, 1-based): chr6:33,185,670, G>A on the plus strand (C>T on the coding strand, the complement: COL11A2 is on the minus strand). VCF-style: chr6-33185670-G-A. GRCh37 (hg19) VCF-style: chr6-33153447-G-A.
Other names: c.798+957C>T (NM_080679.3); c.799-616C>T (NM_080681.3).
Identifiers: ClinVar variation 676710 (VCV000676710.1), dbSNP rs113453266, ClinGen allele CA3751533.
Genomic context (GRCh38, chr6:33,185,670, plus strand): 5'-CGGCATGGGGGAGGGGAGGAAGGTGTCCTAGGAGATGATTGCTGGGGGTGCTGGGAGAAA[G>A]GGAAGAAATGAAGGGGTCCCTTGAGTTTACCTGATAATCAGGGGTTGTCCCCGTAGTCAT-3'